The following is an entry in ClinVar:

NM_004329.3(BMPR1A):c.1079_1081del (p.His360del)

Gene: BMPR1A (bone morphogenetic protein receptor type 1A; plus strand). Cytogenetic location: 10q23.2.
Variant type: Deletion.
Coding change: c.1079_1081del on transcript NM_004329.3 (MANE Select); coding-DNA positions 1079 to 1081, 3 bases deleted (ATC; older notation c.1079_1081delATC).
Protein change: p.His360del; deletes histidine 360.
Molecular consequence: non-coding transcript variant (on NR_176211.1).
Genome position (GRCh38, 1-based): chr10:86,919,382-86,919,384, ATC deleted; deleting any 3 consecutive bases within chr10:86,919,380-86,919,384 gives the same sequence; the c. name uses the placement nearest the transcript's 3' end. VCF-style (leftmost placement, unchanged base first): chr10-86919379-CTCA-C. GRCh37 (hg19) VCF-style: chr10-88679136-CTCA-C.
Other names: c.1154_1156del, p.His385del (NM_001406559.1); c.1127_1129del, p.His376del (NM_001406560.1); c.1079_1081del, p.His360del (NM_001406561.1, NM_001406562.1, NM_001406563.1 and 19 more transcripts); c.1073_1075del, p.His358del (NM_001406583.1); c.995_997del, p.His332del (NM_001406584.1, NM_001406585.1, NM_001406586.1 and 2 more transcripts); c.737_739del, p.His246del (NM_001406589.1); short protein forms H246del, H376del, H385del, H332del, H358del, H360del.
Identifiers: ClinVar variation 3720943 (VCV003720943.2).

ClinVar aggregate classification (germline): Uncertain significance (1 of 4 stars; one submission).

Conditions:
Juvenile polyposis syndrome (JPS). Identifiers: Orphanet 2929, MedGen C0345893, MONDO:0017380, OMIM 174900.

Submission:

Labcorp Genetics (formerly Invitae), Labcorp
Classification: Uncertain significance for Juvenile polyposis syndrome. Last evaluated: 2024-09-12. Review status: criteria provided, single submitter. Criteria: Invitae Variant Classification Sherloc (09022015). Collection method: clinical testing. Allele origin: germline.
Comment: This variant, c.1079_1081del, results in the deletion of 1 amino acid(s) of the BMPR1A protein (p.His360del), but otherwise preserves the integrity of the reading frame. This variant is not present in population databases (gnomAD no frequency). This variant has been observed in individual(s) with BMPR1A-related conditions (PMID: 12676908). This variant is also known as c.360del3bp (nt1079-1081). Experimental studies and prediction algorithms are not available or were not evaluated, and the functional significance of this variant is currently unknown. In summary, the available evidence is currently insufficient to determine the role of this variant in disease. Therefore, it has been classified as a Variant of Uncertain Significance.

Literature cited by the submitters: PubMed 12676908.